The following is an entry in ClinVar:

ClinVar aggregate classification (germline): Uncertain significance (1 of 4 stars; one submission).

Conditions:
AGT-related disorder. Also called: AGT-related condition.

gnomAD v4.1: 21 of 1,613,928 alleles (0.0013%); highest among the groups gnomAD compares: Non-Finnish European, 0.0017%; no homozygotes.

Submission:

PreventionGenetics, part of Exact Sciences
Classification: Uncertain significance for AGT-related condition. Last evaluated: 2026-07-06. Review status: criteria provided, single submitter. Criteria: ACMG Guidelines, 2015. Collection method: clinical testing. Allele origin: germline.
Comment: The AGT c.563A>G variant is predicted to result in the amino acid substitution p.Gln188Arg. To our knowledge, this variant has not been reported in the literature. This variant is reported in 0.00088% of alleles in individuals of European (Non-Finnish) descent in gnomAD. At this time, the clinical significance of this variant is uncertain due to the absence of conclusive functional and genetic evidence.

NM_001384479.1(AGT):c.536A>G (p.Gln179Arg)

Gene: AGT (angiotensinogen; minus strand). Cytogenetic location: 1q42.2.
Variant type: single nucleotide variant.
Coding change: c.536A>G on transcript NM_001384479.1 (MANE Select); coding-DNA position 536, A replaced by G.
Protein change: p.Gln179Arg; replaces glutamine 179 with arginine.
Molecular consequence: missense variant.
Genome position (GRCh38, 1-based): chr1:230,710,288, T>C on the plus strand (A>G on the coding strand, the complement: AGT is on the minus strand). VCF-style: chr1-230710288-T-C. GRCh37 (hg19) VCF-style: chr1-230846034-T-C.
Other names: NM_000029.3:c.563A>G; c.536A>G, p.Gln179Arg (NM_001382817.3); short protein forms Q179R.
Identifiers: ClinVar variation 4995063 (VCV004995063.1).